The following is an entry in ClinVar:

NM_001556.3(IKBKB):c.25del (p.Thr9fs)

Gene: IKBKB (inhibitor of nuclear factor kappa B kinase subunit beta; plus strand). Cytogenetic location: 8p11.21.
Variant type: Deletion.
Coding change: c.25del on transcript NM_001556.3 (MANE Select); coding-DNA position 25, one base deleted (A; older notation c.25delA).
Protein change: p.Thr9fs; shifts the reading frame from threonine 9.
Molecular consequence: frameshift variant. On other transcripts: 5 prime UTR variant (1), non-coding transcript variant (3), intron variant (1).
Genome position (GRCh38, 1-based): chr8:42,272,125, A deleted; the last of 2 consecutive A bases (chr8:42,272,124-42,272,125); deleting either gives the same sequence. VCF-style (leftmost placement, unchanged base first): chr8-42272123-CA-C. GRCh37 (hg19) VCF-style: chr8-42129641-CA-C.
Other names: c.-58del (NM_001242778.2); c.-88+656del (NM_001190720.3); short protein forms T9fs.
Identifiers: ClinVar variation 1453689 (VCV001453689.6), dbSNP rs2129978037, ClinGen allele CA2573143094.
Genomic context (GRCh38, chr8:42,272,123, plus strand): 5'-CCATCCCAAATTGCTTATAGAGTTAGCACGACATCAGTATGAGCTGGTCACCTTCCCTGA[CA>C]ACGCAGACATGTGGGGCCTGGGAAATGAAAGAGCGCCTTGGGACAGGGGGATTTGGAAAT-3'

ClinVar aggregate classification (germline): Pathogenic (1 of 4 stars; one submission).

Conditions:
Severe combined immunodeficiency due to IKK2 deficiency. Also called: Immunodeficiency 15; IMMUNODEFICIENCY 15B. Identifiers: Orphanet 397787, MedGen C4747743, MONDO:0014267, OMIM 615592.

Submission:

Labcorp Genetics (formerly Invitae), Labcorp
Classification: Pathogenic for Severe combined immunodeficiency due to IKK2 deficiency. Last evaluated: 2024-10-16. Review status: criteria provided, single submitter. Criteria: Invitae Variant Classification Sherloc (09022015). Collection method: clinical testing. Allele origin: germline.
Comment: This sequence change creates a premature translational stop signal (p.Thr9Argfs*9) in the IKBKB gene. It is expected to result in an absent or disrupted protein product. Loss-of-function variants in IKBKB are known to be pathogenic (PMID: 24369075, 24679846). This variant is not present in population databases (gnomAD no frequency). This variant has not been reported in the literature in individuals affected with IKBKB-related conditions. ClinVar contains an entry for this variant (Variation ID: 1453689). For these reasons, this variant has been classified as Pathogenic.

Literature cited by the submitters: PubMed 24369075; PubMed 24679846.